The following is an entry in ClinVar:

NM_004699.4(FAM50A):c.1011G>A (p.Thr337=)

Gene: FAM50A (family with sequence similarity 50 member A; plus strand). Cytogenetic location: Xq28.
Variant type: single nucleotide variant.
Coding change: c.1011G>A on transcript NM_004699.4 (MANE Select); coding-DNA position 1011, G replaced by A.
Protein change: p.Thr337=; no amino-acid change (threonine 337 retained).
Molecular consequence: synonymous variant.
Genome position (GRCh38, 1-based): chrX:154,450,319, G>A. VCF-style: chrX-154450319-G-A. GRCh37 (hg19) VCF-style: chrX-153678667-G-A.
Identifiers: ClinVar variation 2577610 (VCV002577610.1), dbSNP rs2523044800, ClinGen allele CA519711257.

ClinVar aggregate classification (germline): Uncertain significance (1 of 4 stars; one submission).

Allele frequency attached by ClinVar (database versions not stated): gnomAD exomes below 0.00001.
gnomAD v4.1: 1 of 1,207,418 alleles (0.000083%); highest among the groups gnomAD compares: Non-Finnish European, 0.00011%; no homozygotes.

Submission:

GeneDx
Classification: Uncertain significance. Last evaluated: 2023-02-22. Review status: criteria provided, single submitter. Criteria: GeneDx Variant Classification Process June 2021. Collection method: clinical testing. Allele origin: germline. Affected: yes.
Comment: Not observed at significant frequency in large population cohorts (gnomAD); In silico analysis suggests this variant may impact gene splicing. In the absence of RNA/functional studies, the actual effect of this sequence change is unknown.; Has not been previously published as pathogenic or benign to our knowledge